The following is an entry in ClinVar:

NM_001374828.1(ARID1B):c.1207A>G (p.Ser403Gly)

Gene: ARID1B (AT-rich interaction domain 1B; plus strand). Cytogenetic location: 6q25.3.
Variant type: single nucleotide variant.
Coding change: c.1207A>G on transcript NM_001374828.1 (MANE Select); coding-DNA position 1207, A replaced by G.
Protein change: p.Ser403Gly; replaces serine 403 with glycine.
Molecular consequence: missense variant.
Genome position (GRCh38, 1-based): chr6:156,778,887, A>G. VCF-style: chr6-156778887-A-G. GRCh37 (hg19) VCF-style: chr6-157100021-A-G.
Other names: c.958A>G, p.Ser320Gly (NM_001346813.1, NM_020732.3); c.1207A>G, p.Ser403Gly (NM_001371656.1, NM_001374820.1, NM_017519.3); c.784A>G, p.Ser262Gly (NM_175863.2); short protein forms S262G, S320G, S403G.
Identifiers: ClinVar variation 2731206 (VCV002731206.3), dbSNP rs201842850, ClinGen allele CA4066715.

ClinVar aggregate classification (germline): Uncertain significance (1 of 4 stars; one submission).

Allele frequency attached by ClinVar (database versions not stated): gnomAD exomes 0.00006; ExAC 0.00019.

Submission:

Labcorp Genetics (formerly Invitae), Labcorp
Classification: Uncertain significance. Last evaluated: 2024-11-26. Review status: criteria provided, single submitter. Criteria: Invitae Variant Classification Sherloc (09022015). Collection method: clinical testing. Allele origin: germline.
Comment: This sequence change replaces serine, which is neutral and polar, with glycine, which is neutral and non-polar, at codon 320 of the ARID1B protein (p.Ser320Gly). The frequency data for this variant in the population databases is considered unreliable, as metrics indicate poor data quality at this position in the gnomAD database. This variant has not been reported in the literature in individuals affected with ARID1B-related conditions. ClinVar contains an entry for this variant (Variation ID: 2731206). Invitae Evidence Modeling of protein sequence and biophysical properties (such as structural, functional, and spatial information, amino acid conservation, physicochemical variation, residue mobility, and thermodynamic stability) indicates that this missense variant is not expected to disrupt ARID1B protein function with a negative predictive value of 95%. In summary, the available evidence is currently insufficient to determine the role of this variant in disease. Therefore, it has been classified as a Variant of Uncertain Significance.